The following is an entry in ClinVar:

ClinVar aggregate classification (germline): Uncertain significance. Review status: criteria provided, multiple submitters, no conflicts (2 of 4 stars). 2 submissions from 2 submitters: Uncertain significance (2). Last evaluated 2025-11-08.

Conditions:
SLC25A38-related disorder. Also called: SLC25A38-related condition; SLC25A38-related disorders.
Inborn genetic diseases. Identifiers: MedGen C0950123, MeSH D030342.

gnomAD v4.1: 2 of 1,614,188 alleles (0.00012%); highest among the groups gnomAD compares: Non-Finnish European, 0.00017%; no homozygotes.

Submissions (2):

PreventionGenetics, part of Exact Sciences
Classification: Uncertain significance for SLC25A38-related condition. Last evaluated: 2025-11-08. Review status: criteria provided, single submitter. Criteria: ACMG Guidelines, 2015. Collection method: clinical testing. Allele origin: germline.
Comment: The SLC25A38 c.91T>C variant is predicted to result in the amino acid substitution p.Phe31Leu. To our knowledge, this variant has not been reported in the literature or in a large population database (gnomAD), indicating this variant is rare. At this time, the clinical significance of this variant is uncertain due to the absence of conclusive functional and genetic evidence.

Ambry Genetics
Classification: Uncertain significance for Inborn genetic diseases. Last evaluated: 2025-08-13. Review status: criteria provided, single submitter. Criteria: Ambry Variant Classification Scheme 2023. Collection method: clinical testing. Allele origin: germline.

NM_017875.4(SLC25A38):c.91T>C (p.Phe31Leu)

Gene: SLC25A38 (solute carrier family 25 member 38; plus strand). Cytogenetic location: 3p22.1.
Variant type: single nucleotide variant.
Coding change: c.91T>C on transcript NM_017875.4 (MANE Select); coding-DNA position 91, T replaced by C.
Protein change: p.Phe31Leu; replaces phenylalanine 31 with leucine.
Molecular consequence: missense variant.
Genome position (GRCh38, 1-based): chr3:39,389,516, T>C. VCF-style: chr3-39389516-T-C. GRCh37 (hg19) VCF-style: chr3-39431007-T-C.
Other names: c.91T>C, p.Phe31Leu (NM_001354798.2); short protein forms F31L.
Identifiers: ClinVar variation 4167082 (VCV004167082.2).